The following is an entry in ClinVar:

ClinVar aggregate classification (germline): Uncertain significance (1 of 4 stars; one submission).

gnomAD v4.1: 1 of 1,613,930 alleles (0.000062%); highest among the groups gnomAD compares: South Asian, 0.0011%; no homozygotes.

Submission:

GeneDx
Classification: Uncertain significance. Last evaluated: 2020-07-16. Review status: criteria provided, single submitter. Criteria: GeneDx Variant Classification Process June 2021. Collection method: clinical testing. Allele origin: germline. Affected: yes.
Comment: Has not been previously published as pathogenic or benign to our knowledge; Not observed in large population cohorts (Lek et al., 2016); In silico analysis supports that this missense variant has a deleterious effect on protein structure/function

NM_001349253.2(SCN11A):c.4849C>A (p.Pro1617Thr)

Gene: SCN11A (sodium voltage-gated channel alpha subunit 11; minus strand). Cytogenetic location: 3p22.2.
Variant type: single nucleotide variant.
Coding change: c.4849C>A on transcript NM_001349253.2 (MANE Select); coding-DNA position 4849, C replaced by A.
Protein change: p.Pro1617Thr; replaces proline 1617 with threonine.
Molecular consequence: missense variant.
Genome position (GRCh38, 1-based): chr3:38,847,221, G>T on the plus strand (C>A on the coding strand, the complement: SCN11A is on the minus strand). VCF-style: chr3-38847221-G-T. GRCh37 (hg19) VCF-style: chr3-38888712-G-T.
Other names: c.4849C>A, p.Pro1617Thr (NM_014139.3); short protein forms P1617T.
Identifiers: ClinVar variation 1209306 (VCV001209306.3), dbSNP rs2064685980, ClinGen allele CA352162283.